The following is an entry in ClinVar:

ClinVar aggregate classification (germline): Benign/Likely benign. Review status: criteria provided, multiple submitters, no conflicts (2 of 4 stars). 3 submissions from 3 submitters: Benign (1); Likely benign (2). Last evaluated 2026-02-18.

Conditions:
Hereditary cancer-predisposing syndrome. Also called: Neoplastic Syndromes, Hereditary; Hereditary neoplastic syndrome; Tumor predisposition; Hereditary Cancer Syndrome. Identifiers: Orphanet 140162, MedGen C0027672, MeSH D009386, MONDO:0015356.
POLD1-related polyposis and colorectal cancer syndrome (CRCS10). Also called: Colorectal cancer 10; COLORECTAL CANCER, SUSCEPTIBILITY TO, ON CHROMOSOME 19q; Colorectal cancer, susceptibility to, 10. Identifiers: Orphanet 220460, MedGen C2675481, MONDO:0012953, OMIM 612591.

Submissions (3):

Ambry Genetics
Classification: Likely benign for Hereditary cancer-predisposing syndrome. Last evaluated: 2026-02-18. Review status: criteria provided, single submitter. Criteria: Ambry Variant Classification Scheme 2023. Collection method: clinical testing. Allele origin: germline.

Labcorp Genetics (formerly Invitae), Labcorp
Classification: Likely benign for POLD1-related polyposis and colorectal cancer syndrome. Last evaluated: 2025-02-26. Review status: criteria provided, single submitter. Criteria: Invitae Variant Classification Sherloc (09022015). Collection method: clinical testing. Allele origin: germline.

Myriad Genetics, Inc.
Classification: Benign for POLD1-related polyposis and colorectal cancer syndrome. Last evaluated: 2025-02-05. Review status: criteria provided, single submitter. Criteria: Myriad Autosomal Dominant, Autosomal Recessive and X-Linked Classification Criteria (2023). Collection method: clinical testing. Allele origin: unknown.
Comment: This variant is considered benign. This variant is a silent/synonymous amino acid change and it is not expected to impact splicing.

NM_002691.4(POLD1):c.1140C>A (p.Ala380=)

Gene: POLD1 (DNA polymerase delta 1, catalytic subunit; plus strand). Cytogenetic location: 19q13.33.
Variant type: single nucleotide variant.
Coding change: c.1140C>A on transcript NM_002691.4 (MANE Select); coding-DNA position 1140, C replaced by A.
Protein change: p.Ala380=; no amino-acid change (alanine 380 retained).
Molecular consequence: synonymous variant. On other transcripts: non-coding transcript variant (1).
Genome position (GRCh38, 1-based): chr19:50,403,495, C>A. VCF-style: chr19-50403495-C-A. GRCh37 (hg19) VCF-style: chr19-50906752-C-A.
Other names: c.1140C>A, p.Ala380= (NM_001256849.1, NM_001308632.1).
Identifiers: ClinVar variation 469180 (VCV000469180.13), dbSNP rs1555790554, ClinGen allele CA508182935.